The following is an entry in ClinVar:

ClinVar aggregate classification (germline): Benign. Review status: criteria provided, single submitter (1 of 4 stars). 2 submissions from 2 submitters: Benign (1). 1 of the submissions does not count toward it. Last evaluated 2019-12-31.

Conditions:
YTHDC2-related disorder. Also called: YTHDC2-related condition.

Allele frequency attached by ClinVar (database versions not stated): gnomAD exomes 0.00059 and 0.00177; ExAC 0.00219; ESP Exome Variant Server 0.00308; 1000 Genomes Project 30x 0.00531; 1000 Genomes Project 0.00559; gnomAD 0.00661 and 0.00725; TOPMed 0.00778.
gnomAD v4.1: 1,863 of 1,568,994 alleles (0.12%); highest among the groups gnomAD compares: African/African-American, 2.3%; 19 homozygotes.

Submissions (2):

Labcorp Genetics (formerly Invitae), Labcorp
Classification: Benign. Last evaluated: 2019-12-31. Review status: criteria provided, single submitter. Criteria: Invitae Variant Classification Sherloc (09022015). Collection method: clinical testing. Allele origin: germline.

PreventionGenetics, part of Exact Sciences
Classification: Benign for YTHDC2-related condition. Last evaluated: 2019-04-24. Review status: no assertion criteria provided. Collection method: clinical testing. Allele origin: germline. Not counted in ClinVar's aggregate classification.
Comment: This variant is classified as benign based on ACMG/AMP sequence variant interpretation guidelines (Richards et al. 2015 PMID: 25741868, with internal and published modifications).

NM_022828.5(YTHDC2):c.1496-9T>C

Gene: YTHDC2 (YTH N6-methyladenosine RNA binding protein C2; plus strand). Cytogenetic location: 5q22.2.
Variant type: single nucleotide variant.
Coding change: c.1496-9T>C on transcript NM_022828.5 (MANE Select); 9 bases into the intron before coding-DNA position 1496, T replaced by C.
Molecular consequence: intron variant.
Genome position (GRCh38, 1-based): chr5:113,548,532, T>C. VCF-style: chr5-113548532-T-C. GRCh37 (hg19) VCF-style: chr5-112884229-T-C.
Other names: c.1010-9T>C (NM_001345975.2); c.596-9T>C (NM_001345976.2); c.1496-9T>C (NM_022828.4).
Identifiers: ClinVar variation 776059 (VCV000776059.6), dbSNP rs115977003, ClinGen allele CA3371812.